The following is an entry in ClinVar:

NM_018475.5(TMEM165):c.898+3A>G

Gene: TMEM165 (transmembrane protein 165; plus strand). Cytogenetic location: 4q12.
Variant type: single nucleotide variant.
Coding change: c.898+3A>G on transcript NM_018475.5 (MANE Select); 3 bases into the intron after coding-DNA position 898, A replaced by G.
Molecular consequence: intron variant.
Genome position (GRCh38, 1-based): chr4:55,424,646, A>G. VCF-style: chr4-55424646-A-G. GRCh37 (hg19) VCF-style: chr4-56290813-A-G.
Identifiers: ClinVar variation 1384289 (VCV001384289.4), dbSNP rs369436814, ClinGen allele CA2925606.

ClinVar aggregate classification (germline): Uncertain significance (1 of 4 stars; one submission).

Conditions:
TMEM165-congenital disorder of glycosylation. Also called: CDG IIk; Congenital disorder of glycosylation type 2k; TMEM165-CDG. Identifiers: Orphanet 314667, MedGen C3553571, MONDO:0013870, OMIM 614727.

Allele frequency attached by ClinVar (database versions not stated): gnomAD exomes 0.00001 and 0.00002; ExAC 0.00002; gnomAD 0.00007; ESP Exome Variant Server 0.00008; TOPMed 0.00011; 1000 Genomes Project 0.00040; 1000 Genomes Project 30x 0.00047.

Submission:

Labcorp Genetics (formerly Invitae), Labcorp
Classification: Uncertain significance for TMEM165-congenital disorder of glycosylation. Last evaluated: 2024-11-18. Review status: criteria provided, single submitter. Criteria: Invitae Variant Classification Sherloc (09022015). Collection method: clinical testing. Allele origin: germline.
Comment: This sequence change falls in intron 5 of the TMEM165 gene. It does not directly change the encoded amino acid sequence of the TMEM165 protein. It affects a nucleotide within the consensus splice site. This variant is present in population databases (rs369436814, gnomAD 0.02%). This variant has not been reported in the literature in individuals affected with TMEM165-related conditions. ClinVar contains an entry for this variant (Variation ID: 1384289). Variants that disrupt the consensus splice site are a relatively common cause of aberrant splicing (PMID: 17576681, 9536098). Algorithms developed to predict the effect of sequence changes on RNA splicing suggest that this variant is not likely to affect RNA splicing. In summary, the available evidence is currently insufficient to determine the role of this variant in disease. Therefore, it has been classified as a Variant of Uncertain Significance.

Literature cited by the submitters: PubMed 17576681; PubMed 9536098.